The following is an entry in ClinVar:

ClinVar aggregate classification (germline): Pathogenic (1 of 4 stars; one submission).

Conditions:
Curry-Hall syndrome (WAD). Also called: WEYERS ACRODENTAL DYSOSTOSIS. Identifiers: Orphanet 952, MedGen C0457013, MONDO:0008673, OMIM 193530.
Ellis-van Creveld syndrome (EVC). Also called: MESOECTODERMAL DYSPLASIA; EVC-Related Ellis-van Creveld Syndrome; EVC2-Related Ellis-van Creveld Syndrome; Chondroectodermal dysplasia. Identifiers: Orphanet 289, MedGen C0013903, MONDO:0009162, OMIM 225500.

Submission:

Labcorp Genetics (formerly Invitae), Labcorp
Classification: Pathogenic for Curry-Hall syndrome; Ellis-van Creveld syndrome. Last evaluated: 2022-05-09. Review status: criteria provided, single submitter. Criteria: Invitae Variant Classification Sherloc (09022015). Collection method: clinical testing. Allele origin: germline.
Comment: For these reasons, this variant has been classified as Pathogenic. This variant has not been reported in the literature in individuals affected with EVC2-related conditions. This variant is not present in population databases (gnomAD no frequency). This sequence change creates a premature translational stop signal (p.Gln965Serfs*14) in the EVC2 gene. It is expected to result in an absent or disrupted protein product. Loss-of-function variants in EVC2 are known to be pathogenic (PMID: 17024374, 19810119, 19876929).

Literature cited by the submitters: PubMed 17024374; PubMed 19810119; PubMed 19876929.

NM_147127.5(EVC2):c.2892del (p.Gln965fs)

Gene: EVC2 (EvC ciliary complex subunit 2; minus strand). Cytogenetic location: 4p16.2.
Variant type: Deletion.
Coding change: c.2892del on transcript NM_147127.5 (MANE Select); coding-DNA position 2892, one base deleted (A; older notation c.2892delA).
Protein change: p.Gln965fs; shifts the reading frame from glutamine 965.
Molecular consequence: frameshift variant.
Genome position (GRCh38, 1-based): chr4:5,584,788, T deleted on the plus strand (A on the coding strand, the reverse complement: EVC2 is on the minus strand). VCF-style (leftmost placement, unchanged base first): chr4-5584787-GT-G. GRCh37 (hg19) VCF-style: chr4-5586514-GT-G.
Other names: c.2652del, p.Gln885fs (NM_001166136.2); short protein forms Q965fs, Q885fs.
Identifiers: ClinVar variation 2135791 (VCV002135791.4), dbSNP rs2475236316, ClinGen allele CA2580070742.